The following is an entry in ClinVar:

NM_001999.4(FBN2):c.6166+1G>T

Gene: FBN2 (fibrillin 2; minus strand). Cytogenetic location: 5q23.3.
Variant type: single nucleotide variant.
Coding change: c.6166+1G>T on transcript NM_001999.4 (MANE Select); the canonical splice donor site of the intron after coding-DNA position 6166, G replaced by T.
Molecular consequence: splice donor variant.
Genome position (GRCh38, 1-based): chr5:128,300,816, C>A on the plus strand (G>T on the coding strand, the complement: FBN2 is on the minus strand). VCF-style: chr5-128300816-C-A. GRCh37 (hg19) VCF-style: chr5-127636508-C-A.
Identifiers: ClinVar variation 4818921 (VCV004818921.1).

ClinVar aggregate classification (germline): Uncertain significance (1 of 4 stars; one submission).

Submission:

GeneDx
Classification: Uncertain significance. Last evaluated: 2025-09-27. Review status: criteria provided, single submitter. Criteria: GeneDx Variant Classification Process June 2021. Collection method: clinical testing. Allele origin: germline. Affected: yes.
Comment: Not observed at significant frequency in large population cohorts (gnomAD); Canonical splice site variant with an unclear effect on protein function; Has not been previously published as pathogenic or benign to our knowledge